The following is an entry in ClinVar:

NM_004006.3(DMD):c.1311T>G (p.Ala437=)

Gene: DMD (dystrophin; minus strand). Cytogenetic location: Xp21.1.
Variant type: single nucleotide variant.
Coding change: c.1311T>G on transcript NM_004006.3 (MANE Select); coding-DNA position 1311, T replaced by G.
Protein change: p.Ala437=; no amino-acid change (alanine 437 retained).
Molecular consequence: synonymous variant.
Genome position (GRCh38, 1-based): chrX:32,644,152, A>C on the plus strand (T>G on the coding strand, the complement: DMD is on the minus strand). VCF-style: chrX-32644152-A-C. GRCh37 (hg19) VCF-style: chrX-32662269-A-C.
Other names: c.1287T>G, p.Ala429= (NM_000109.4); c.1299T>G, p.Ala433= (NM_004009.3); c.942T>G, p.Ala314= (NM_004010.3).
Identifiers: ClinVar variation 94457 (VCV000094457.17), dbSNP rs398123855, ClinGen allele CA222295.
Genomic context (GRCh38, chrX:32,644,152, plus strand): 5'-ACTTGTTAGTCTTCTTAATTAAAAACAAATAAGGACTTACTTGCTTTGTTTTTCCATGCT[A>C]GCTACCCTGAGGCATTCCCATCTTGAATTTAGGAGATTCATCTGCTCTTGTACTTCAGTT-3'
Protein context (NP_003997.2, residues 427-447): LNSRWECLRV[Ala437=]SMEKQSNLHR

ClinVar aggregate classification (germline): Conflicting classifications of pathogenicity. Review status: criteria provided, conflicting classifications (1 of 4 stars). 5 submissions from 5 submitters: Uncertain significance (1); Likely benign (3). 1 of the submissions does not count toward it. Last evaluated 2025-11-17.

Conditions:
Becker muscular dystrophy (BMD). Also called: Becker Muscular Dystrophy (BMD); MUSCULAR DYSTROPHY, PSEUDOHYPERTROPHIC PROGRESSIVE, BECKER TYPE. Identifiers: Orphanet 98895, MedGen C0917713, MONDO:0010311, OMIM 300376.
Duchenne muscular dystrophy (DMD). Also called: Duchenne Muscular Dystrophy (DMD); MUSCULAR DYSTROPHY, PSEUDOHYPERTROPHIC PROGRESSIVE, DUCHENNE TYPE. Identifiers: Orphanet 98896, MedGen C0013264, MONDO:0010679, OMIM 310200.
Cardiomyopathy (CMYO). Also called: Cardiomyopathies. Identifiers: Orphanet 167848, MedGen C0878544, MONDO:0004994, HP:0001638. Inheritance: Various modes of inheritance.
Dystrophin deficiency.
Cardiovascular phenotype. Identifiers: MedGen CN230736.

Allele frequency attached by ClinVar (database versions not stated): TOPMed 0.00001.
gnomAD v4.1: 6 of 1,208,827 alleles (0.0005%); highest among the groups gnomAD compares: Non-Finnish European, 0.00067%; no homozygotes.

Submissions (5):

Labcorp Genetics (formerly Invitae), Labcorp
Classification: Likely benign for Duchenne muscular dystrophy. Last evaluated: 2025-11-17. Review status: criteria provided, single submitter. Criteria: Invitae Variant Classification Sherloc (09022015). Collection method: clinical testing. Allele origin: germline.

Ambry Genetics
Classification: Likely benign for Cardiovascular phenotype. Last evaluated: 2019-07-30. Review status: criteria provided, single submitter. Criteria: Ambry Variant Classification Scheme 2023. Collection method: clinical testing. Allele origin: germline.

GeneDx
Classification: Likely benign. Last evaluated: 2017-10-24. Review status: criteria provided, single submitter. Criteria: GeneDx Variant Classification (06012015). Collection method: clinical testing. Allele origin: germline. Affected: yes.
Comment: This variant is considered likely benign or benign based on one or more of the following criteria: it is a conservative change, it occurs at a poorly conserved position in the protein, it is predicted to be benign by multiple in silico algorithms, and/or has population frequency not consistent with disease.

Eurofins Ntd Llc (ga)
Classification: Uncertain significance. Last evaluated: 2013-07-29. Review status: criteria provided, single submitter. Criteria: EGL Classification Definitions 2015. Collection method: clinical testing. Allele origin: germline. Observed: 1 variant allele, 1 heterozygote.

Natera, Inc.
Classification: Likely benign for Becker muscular dystrophy; Cardiomyopathy; Duchenne muscular dystrophy; Dystrophin deficiency. Last evaluated: 2017-11-13. Review status: no assertion criteria provided. Collection method: clinical testing. Allele origin: germline. Not counted in ClinVar's aggregate classification.